The following is an entry in ClinVar:

NM_025114.4(CEP290):c.563A>T (p.Asp188Val)

Gene: CEP290 (centrosomal protein 290; minus strand). Cytogenetic location: 12q21.32.
Variant type: single nucleotide variant.
Coding change: c.563A>T on transcript NM_025114.4 (MANE Select); coding-DNA position 563, A replaced by T.
Protein change: p.Asp188Val; replaces aspartic acid 188 with valine.
Molecular consequence: missense variant.
Genome position (GRCh38, 1-based): chr12:88,130,374, T>A on the plus strand (A>T on the coding strand, the complement: CEP290 is on the minus strand). VCF-style: chr12-88130374-T-A. GRCh37 (hg19) VCF-style: chr12-88524151-T-A.
Other names: short protein forms D188V.
Identifiers: ClinVar variation 434743 (VCV000434743.15), dbSNP rs746511786, ClinGen allele CA6712737.

ClinVar aggregate classification (germline): Uncertain significance. Review status: criteria provided, multiple submitters, no conflicts (2 of 4 stars). 4 submissions from 4 submitters: Uncertain significance (3). 1 of the submissions does not count toward it. Last evaluated 2022-02-14.

Conditions:
Leber congenital amaurosis (LCA). Also called: Leber's amaurosis. Identifiers: Orphanet 65, MedGen C0339527, MeSH D057130, MONDO:0018998.
Joubert syndrome. Also called: JOUBERT-BOLTSHAUSER SYNDROME; Familial aplasia of the vermis. Identifiers: Orphanet 475, MedGen C5979921, MONDO:0018772.
Nephronophthisis. Also called: Juvenile Nephronophthisis. Identifiers: Orphanet 655, MedGen C0687120, MONDO:0019005, HP:0000090.
Meckel-Gruber syndrome. Also called: DYSENCEPHALIA SPLANCHNOCYSTICA; GRUBER SYNDROME; Dysencephalia splachnocystica. Identifiers: Orphanet 564, MedGen C0265215, MONDO:0018921.

Allele frequency attached by ClinVar (database versions not stated): gnomAD exomes below 0.00001 and 0.00002; ExAC 0.00001; TOPMed 0.00002.
gnomAD v4.1: 5 of 1,610,690 alleles (0.00031%); highest among the groups gnomAD compares: Admixed American, 0.005%; no homozygotes.

Submissions (4):

Labcorp Genetics (formerly Invitae), Labcorp
Classification: Uncertain significance for Joubert syndrome; Meckel-Gruber syndrome; Nephronophthisis. Last evaluated: 2022-02-14. Review status: criteria provided, single submitter. Criteria: Invitae Variant Classification Sherloc (09022015). Collection method: clinical testing. Allele origin: germline.
Comment: This sequence change replaces aspartic acid, which is acidic and polar, with valine, which is neutral and non-polar, at codon 188 of the CEP290 protein (p.Asp188Val). This variant is present in population databases (rs746511786, gnomAD 0.009%). This variant has not been reported in the literature in individuals affected with CEP290-related conditions. ClinVar contains an entry for this variant (Variation ID: 434743). Algorithms developed to predict the effect of missense changes on protein structure and function are either unavailable or do not agree on the potential impact of this missense change (SIFT: "Deleterious"; PolyPhen-2: "Probably Damaging"; Align-GVGD: "Class C0"). In summary, the available evidence is currently insufficient to determine the role of this variant in disease. Therefore, it has been classified as a Variant of Uncertain Significance.

Blueprint Genetics
Classification: Uncertain significance. Last evaluated: 2019-12-31. Review status: criteria provided, single submitter. Criteria: ACMG Guidelines, 2015. Collection method: clinical testing. Allele origin: germline.

Genetic Services Laboratory, University of Chicago
Classification: Uncertain significance. Last evaluated: 2015-11-10. Review status: criteria provided, single submitter. Criteria: ACMG Guidelines, 2015. Collection method: clinical testing. Allele origin: germline. Affected: no.

Natera, Inc.
Classification: Uncertain significance for Leber congenital amaurosis. Last evaluated: 2019-10-28. Review status: no assertion criteria provided. Collection method: clinical testing. Allele origin: germline. Not counted in ClinVar's aggregate classification.